The following is an entry in ClinVar:

ClinVar aggregate classification (germline): Likely benign. Review status: criteria provided, single submitter (1 of 4 stars). 2 submissions from 2 submitters: Likely benign (1). 1 of the submissions does not count toward it. Last evaluated 2025-05-15.

Conditions:
WBP2-related disorder. Also called: WBP2-related condition.

Allele frequency attached by ClinVar (database versions not stated): gnomAD exomes 0.00003; ExAC 0.00004; gnomAD 0.00015; TOPMed 0.00028.

Submissions (2):

Labcorp Genetics (formerly Invitae), Labcorp
Classification: Likely benign. Last evaluated: 2025-05-15. Review status: criteria provided, single submitter. Criteria: Invitae Variant Classification Sherloc (09022015). Collection method: clinical testing. Allele origin: germline.

PreventionGenetics, part of Exact Sciences
Classification: Likely benign for WBP2-related condition. Last evaluated: 2019-06-13. Review status: no assertion criteria provided. Collection method: clinical testing. Allele origin: germline. Not counted in ClinVar's aggregate classification.
Comment: This variant is classified as likely benign based on ACMG/AMP sequence variant interpretation guidelines (Richards et al. 2015 PMID: 25741868, with internal and published modifications).

NM_012478.4(WBP2):c.108G>A (p.Lys36=)

Gene: WBP2 (WW domain binding protein 2; minus strand). Cytogenetic location: 17q25.1.
Variant type: single nucleotide variant.
Coding change: c.108G>A on transcript NM_012478.4 (MANE Select); coding-DNA position 108, G replaced by A.
Protein change: p.Lys36=; no amino-acid change (lysine 36 retained).
Molecular consequence: synonymous variant.
Genome position (GRCh38, 1-based): chr17:75,851,628, C>T on the plus strand (G>A on the coding strand, the complement: WBP2 is on the minus strand). VCF-style: chr17-75851628-C-T. GRCh37 (hg19) VCF-style: chr17-73847709-C-T.
Other names: c.108G>A (NM_012478.3); c.108G>A, p.Lys36= (NM_001330499.2, NM_001348170.1).
Identifiers: ClinVar variation 2172245 (VCV002172245.6), dbSNP rs750015726, ClinGen allele CA8774032.
Genomic context (GRCh38, chr17:75,851,628, plus strand): 5'-CCGGTAAGGGGTAAGGTAGACAGTGCCTTTCTTGGTCCCTTTGAAGGCTTCTGGCACGTT[C>T]TTCATGTCATTGAATGTGAGTTCCACGTGATCATAGGACATTAGGATGCTGTGATGAGAA-3'
Protein context (NP_036610.2, residues 26-46): DHVELTFNDM[Lys36=]NVPEAFKGTK